The following is an entry in ClinVar:

NM_004006.3(DMD):c.3476C>A (p.Thr1159Asn)

Gene: DMD (dystrophin; minus strand). Cytogenetic location: Xp21.1.
Variant type: single nucleotide variant.
Coding change: c.3476C>A on transcript NM_004006.3 (MANE Select); coding-DNA position 3476, C replaced by A.
Protein change: p.Thr1159Asn; replaces threonine 1159 with asparagine.
Molecular consequence: missense variant.
Genome position (GRCh38, 1-based): chrX:32,454,789, G>T on the plus strand (C>A on the coding strand, the complement: DMD is on the minus strand). VCF-style: chrX-32454789-G-T. GRCh37 (hg19) VCF-style: chrX-32472906-G-T.
Other names: c.3452C>A, p.Thr1151Asn (NM_000109.4); c.3464C>A, p.Thr1155Asn (NM_004009.3); c.3107C>A, p.Thr1036Asn (NM_004010.3); short protein forms T1151N, T1036N, T1155N, T1159N.
Identifiers: ClinVar variation 1731785 (VCV001731785.2), dbSNP rs757041202, ClinGen allele CA412663315.

ClinVar aggregate classification (germline): Uncertain significance (1 of 4 stars; one submission).

Conditions:
Cardiovascular phenotype. Identifiers: MedGen CN230736.

gnomAD v4.1: 1 of 1,207,303 alleles (0.000083%); highest among the groups gnomAD compares: African/African-American, 0.0017%; no homozygotes.

Submission:

Ambry Genetics
Classification: Uncertain significance for Cardiovascular phenotype. Last evaluated: 2022-06-07. Review status: criteria provided, single submitter. Criteria: Ambry Variant Classification Scheme 2023. Collection method: clinical testing. Allele origin: germline.
Comment: The p.T1159N variant (also known as c.3476C>A), located in coding exon 26 of the DMD gene, results from a C to A substitution at nucleotide position 3476. The threonine at codon 1159 is replaced by asparagine, an amino acid with similar properties. This amino acid position is highly conserved in available vertebrate species. In addition, this alteration is predicted to be tolerated by in silico analysis. Since supporting evidence is limited at this time, the clinical significance of this alteration remains unclear.